The following is an entry in ClinVar:

ClinVar aggregate classification (germline): Uncertain significance (1 of 4 stars; one submission).

Allele frequency attached by ClinVar (database versions not stated): gnomAD exomes below 0.00001; ExAC 0.00001.

Submission:

GeneDx
Classification: Uncertain significance. Last evaluated: 2023-10-09. Review status: criteria provided, single submitter. Criteria: GeneDx Variant Classification Process June 2021. Collection method: clinical testing. Allele origin: germline. Affected: yes.
Comment: In silico analysis supports that this missense variant has a deleterious effect on protein structure/function; Has not been previously published as pathogenic or benign to our knowledge; This variant is associated with the following publications: (PMID: 27311832)

NM_004380.3(CREBBP):c.5594T>C (p.Met1865Thr)

Gene: CREBBP (CREB binding protein; minus strand). Cytogenetic location: 16p13.3.
Variant type: single nucleotide variant.
Coding change: c.5594T>C on transcript NM_004380.3 (MANE Select); coding-DNA position 5594, T replaced by C.
Protein change: p.Met1865Thr; replaces methionine 1865 with threonine.
Molecular consequence: missense variant.
Genome position (GRCh38, 1-based): chr16:3,729,453, A>G on the plus strand (T>C on the coding strand, the complement: CREBBP is on the minus strand). VCF-style: chr16-3729453-A-G. GRCh37 (hg19) VCF-style: chr16-3779454-A-G.
Other names: c.5480T>C, p.Met1827Thr (NM_001079846.1); short protein forms M1827T, M1865T.
Identifiers: ClinVar variation 2446589 (VCV002446589.2), dbSNP rs768716298, ClinGen allele CA7869267.
Genomic context (GRCh38, chr16:3,729,453, plus strand): 5'-GGAGAAGGCAGACTCTGCTGAGGCACGTTGCGGGTGTTCATGGTGGCCATCCGCCGGCGC[A>G]TGAGCTGGGCCTGCTGCAGGCGGTGCTGGATCTGCTGCTGGCGGAGCTTGTGTTTGATGT-3'
Protein context (NP_004371.2, residues 1855-1875): IQHRLQQAQL[Met1865Thr]RRRMATMNTR